The following is an entry in ClinVar:

NM_001374385.1(ATP8B1):c.2053G>A (p.Glu685Lys)

Gene: ATP8B1 (ATPase phospholipid transporting 8B1; minus strand). Cytogenetic location: 18q21.31.
Variant type: single nucleotide variant.
Coding change: c.2053G>A on transcript NM_001374385.1 (MANE Select); coding-DNA position 2053, G replaced by A.
Protein change: p.Glu685Lys; replaces glutamic acid 685 with lysine.
Molecular consequence: missense variant.
Genome position (GRCh38, 1-based): chr18:57,669,362, C>T on the plus strand (G>A on the coding strand, the complement: ATP8B1 is on the minus strand). VCF-style: chr18-57669362-C-T. GRCh37 (hg19) VCF-style: chr18-55336594-C-T.
Other names: c.1903G>A, p.Glu635Lys (NM_001374386.1); c.2053G>A, p.Glu685Lys (NM_005603.6); short protein forms E635K, E685K.
Identifiers: ClinVar variation 2439402 (VCV002439402.5), dbSNP rs558637349, ClinGen allele CA8974405.

ClinVar aggregate classification (germline): Uncertain significance. Review status: criteria provided, multiple submitters, no conflicts (2 of 4 stars). 3 submissions from 3 submitters: Uncertain significance (3). Last evaluated 2026-04-14.

Conditions:
Familial intrahepatic cholestasis. Identifiers: Orphanet 284385, MedGen CN296401, MONDO:0017290.
Progressive familial intrahepatic cholestasis type 1. Also called: BYLER DISEASE; Byler's disease; Severe ATP8B1 Deficiency (Progressive Familial Intrahepatic Cholestasis Type 1 [PFIC1]). Identifiers: Orphanet 79306, MedGen C4551898, MONDO:0008892, OMIM 211600.

Allele frequency attached by ClinVar (database versions not stated): gnomAD exomes below 0.00001; TOPMed 0.00001.
gnomAD v4.1: 5 of 1,613,624 alleles (0.00031%); highest among the groups gnomAD compares: Middle Eastern, 0.016%; no homozygotes.

Submissions (3):

Genomenon, Inc
Classification: Uncertain significance for Familial intrahepatic cholestasis. Last evaluated: 2026-04-14. Review status: criteria provided, single submitter. Criteria: Genomenon Sequence Variant Interpretation Standards - Updated. Collection method: curation. Allele origin: germline. Affected: yes.
Comment: ATP8B1 p.Glu685Lys (c.2053G>A) is a missense variant that changes the amino acid at residue 685 from Glutamic acid to Lysine. This variant has been observed in at least one proband with features of ATP8B1-deficiency (PMID:33915153). It is absent or not present at a significant frequency in gnomAD. In conclusion, we classify ATP8B1 p.Glu685Lys (c.2053G>A) as a variant of uncertain significance.

Genomic Medicine Center of Excellence, King Faisal Specialist Hospital and Research Centre
Classification: Uncertain significance for Progressive familial intrahepatic cholestasis type 1. Last evaluated: 2024-10-13. Review status: criteria provided, single submitter. Criteria: ACMG Guidelines, 2015. Collection method: clinical testing. Allele origin: germline.
Comment: This variant (GRCh38; NM_005603.6:c.2053G>A:p.Glu685Lys) results in a missense mutation with the conversion of Glutamate (Acidic amino acid) to Lysine (Basic amino acid) in the ATP8B1 protein. Not observed at significant frequency in large population cohorts (gnomAD). ClinVar contains an entry for this variant (Variation ID: 2439402). Missense variant in a gene that has a low rate of benign missense variation and in which missense variants are a common mechanism of disease. A literature search was performed for the gene and associated variants. Based on this search no publications were found. Based on conflicting evidence or insufficient data to determine whether the variant is benign or pathogenic, the clinical significance of this alteration remains unclear. In summary, this variant meets our criteria for classification as of Unknown Clinical Significance based on the evidence outlined.

Revvity Omics, Revvity
Classification: Uncertain significance. Last evaluated: 2021-12-28. Review status: criteria provided, single submitter. Criteria: ACMG Guidelines, 2015. Collection method: clinical testing. Allele origin: germline.

Literature cited by the submitters: PubMed 33915153 (cited by Genomenon, Inc).